The following is an entry in ClinVar:

ClinVar aggregate classification (germline): Uncertain significance (1 of 4 stars; one submission).

Conditions:
Hereditary cancer-predisposing syndrome. Also called: Neoplastic Syndromes, Hereditary; Tumor predisposition; Hereditary Cancer Syndrome; Hereditary neoplastic syndrome. Identifiers: Orphanet 140162, MedGen C0027672, MeSH D009386, MONDO:0015356.

Submission:

Ambry Genetics
Classification: Uncertain significance for Hereditary cancer-predisposing syndrome. Last evaluated: 2026-02-13. Review status: criteria provided, single submitter. Criteria: Ambry Variant Classification Scheme 2023. Collection method: clinical testing. Allele origin: germline.
Comment: The p.I2683M variant (also known as c.8049T>G), located in coding exon 15 of the APC gene, results from a T to G substitution at nucleotide position 8049. The isoleucine at codon 2683 is replaced by methionine, an amino acid with highly similar properties. This amino acid position is highly conserved in available vertebrate species. In addition, in silico predictors for this gene do not accurately predict pathogenicity. Missense variants in APC are not a common cause of disease (Spier I et al. Genet Med. 2024 Feb;26(2):100992). Based on the available evidence, the clinical significance of this variant remains unclear.

NM_000038.6(APC):c.8049T>G (p.Ile2683Met)

Gene: APC (APC regulator of Wnt signaling pathway; plus strand). Cytogenetic location: 5q22.2.
Variant type: single nucleotide variant.
Coding change: c.8049T>G on transcript NM_000038.6 (MANE Select); coding-DNA position 8049, T replaced by G.
Protein change: p.Ile2683Met; replaces isoleucine 2683 with methionine.
Molecular consequence: missense variant. On other transcripts: non-coding transcript variant (2).
Genome position (GRCh38, 1-based): chr5:112,843,643, T>G. VCF-style: chr5-112843643-T-G. GRCh37 (hg19) VCF-style: chr5-112179340-T-G.
Other names: c.8049T>G, p.Ile2683Met (NM_001127510.3, NM_001354895.2, NM_001407450.1); c.7995T>G, p.Ile2665Met (NM_001127511.3); c.8103T>G, p.Ile2701Met (NM_001354896.2, NM_001407447.1, NM_001407448.1 and 1 more transcripts); c.8079T>G, p.Ile2693Met (NM_001354897.2); c.7974T>G, p.Ile2658Met (NM_001354898.2); c.7965T>G, p.Ile2655Met (NM_001354899.2); c.7926T>G, p.Ile2642Met (NM_001354900.2); c.7872T>G, p.Ile2624Met (NM_001354901.2, NM_001407453.1); and 11 more; short protein forms I2665M, I2557M, I2582M, I2592M, I2642M, I2600M, I2624M, I2676M.
Identifiers: ClinVar variation 4825048 (VCV004825048.1).
Genomic context (GRCh38, chr5:112,843,643, plus strand): 5'-CTGTCCCATTAACAATCCTAGATCTGGAAGATCTCCCACAGGTAATACTCCCCCGGTGAT[T>G]GACAGTGTTTCAGAAAAGGCAAATCCAAACATTAAAGATTCAAAAGATAATCAGGCAAAA-3'
Protein context (NP_000029.2, residues 2673-2693): RSPTGNTPPV[Ile2683Met]DSVSEKANPN